The following is an entry in ClinVar:

ClinVar aggregate classification (germline): Likely benign (1 of 4 stars; one submission).

Submission:

GeneDx
Classification: Likely benign. Last evaluated: 2018-06-04. Review status: criteria provided, single submitter. Criteria: GeneDx Variant Classification (06012015). Collection method: clinical testing. Allele origin: germline. Affected: yes.
Comment: This variant is considered likely benign or benign based on one or more of the following criteria: it is a conservative change, it occurs at a poorly conserved position in the protein, it is predicted to be benign by multiple in silico algorithms, and/or has population frequency not consistent with disease.

NM_024757.5(EHMT1):c.1117G>A (p.Glu373Lys)

Gene: EHMT1 (euchromatic histone lysine methyltransferase 1; plus strand). Cytogenetic location: 9q34.3.
Variant type: single nucleotide variant.
Coding change: c.1117G>A on transcript NM_024757.5 (MANE Select); coding-DNA position 1117, G replaced by A.
Protein change: p.Glu373Lys; replaces glutamic acid 373 with lysine.
Molecular consequence: missense variant.
Genome position (GRCh38, 1-based): chr9:137,744,037, G>A. VCF-style: chr9-137744037-G-A. GRCh37 (hg19) VCF-style: chr9-140638489-G-A.
Other names: c.1117G>A, p.Glu373Lys (NM_001145527.2, NM_001354611.2); c.1024G>A, p.Glu342Lys (NM_001354259.2, NM_001354612.2); c.1096G>A, p.Glu366Lys (NM_001354263.2); short protein forms E366K, E342K, E373K.
Identifiers: ClinVar variation 668757 (VCV000668757.1), dbSNP rs1588482536, ClinGen allele CA375779747.